The following is an entry in ClinVar:

NM_000836.4(GRIN2D):c.3508C>A (p.Pro1170Thr)

Gene: GRIN2D (glutamate ionotropic receptor NMDA type subunit 2D; plus strand). Cytogenetic location: 19q13.33.
Variant type: single nucleotide variant.
Coding change: c.3508C>A on transcript NM_000836.4 (MANE Select); coding-DNA position 3508, C replaced by A.
Protein change: p.Pro1170Thr; replaces proline 1170 with threonine.
Molecular consequence: missense variant.
Genome position (GRCh38, 1-based): chr19:48,443,434, C>A. VCF-style: chr19-48443434-C-A. GRCh37 (hg19) VCF-style: chr19-48946691-C-A.
Other names: short protein forms P1170T.
Identifiers: ClinVar variation 2110488 (VCV002110488.4), dbSNP rs769021648, ClinGen allele CA406676584.

ClinVar aggregate classification (germline): Uncertain significance (1 of 4 stars; one submission).

gnomAD v4.1: 2 of 1,389,854 alleles (0.00014%); highest among the groups gnomAD compares: Admixed American, 0.0033%; no homozygotes.

Submission:

Labcorp Genetics (formerly Invitae), Labcorp
Classification: Uncertain significance. Last evaluated: 2023-03-19. Review status: criteria provided, single submitter. Criteria: Invitae Variant Classification Sherloc (09022015). Collection method: clinical testing. Allele origin: germline.
Comment: This sequence change replaces proline, which is neutral and non-polar, with threonine, which is neutral and polar, at codon 1170 of the GRIN2D protein (p.Pro1170Thr). This variant is present in population databases (no rsID available, gnomAD 0.02%). This variant has not been reported in the literature in individuals affected with GRIN2D-related conditions. ClinVar contains an entry for this variant (Variation ID: 2110488). Advanced modeling of protein sequence and biophysical properties (such as structural, functional, and spatial information, amino acid conservation, physicochemical variation, residue mobility, and thermodynamic stability) performed at Invitae indicates that this missense variant is not expected to disrupt GRIN2D protein function. In summary, the available evidence is currently insufficient to determine the role of this variant in disease. Therefore, it has been classified as a Variant of Uncertain Significance.